The following is an entry in ClinVar:

NM_007289.4(MME):c.1047A>G (p.Pro349=)

Gene: MME (membrane metalloendopeptidase; plus strand). Cytogenetic location: 3q25.2.
Variant type: single nucleotide variant.
Coding change: c.1047A>G on transcript NM_007289.4 (MANE Select); coding-DNA position 1047, A replaced by G.
Protein change: p.Pro349=; no amino-acid change (proline 349 retained).
Molecular consequence: synonymous variant.
Genome position (GRCh38, 1-based): chr3:155,142,080, A>G. VCF-style: chr3-155142080-A-G. GRCh37 (hg19) VCF-style: chr3-154859869-A-G.
Other names: c.1047A>G, p.Pro349= (NM_000902.5, NM_001354642.2, NM_001354643.1 and 2 more transcripts).
Identifiers: ClinVar variation 716854 (VCV000716854.14), dbSNP rs35152996, ClinGen allele CA2675368.

ClinVar aggregate classification (germline): Benign/Likely benign. Review status: criteria provided, multiple submitters, no conflicts (2 of 4 stars). 4 submissions from 4 submitters: Benign (2); Likely benign (2). Last evaluated 2026-08-10.

Conditions:
MME-related disorder. Also called: MME-related condition.

Allele frequency attached by ClinVar (database versions not stated): ExAC 0.00066; gnomAD 0.00198 and 0.00210; 1000 Genomes Project 0.00220; TOPMed 0.00232; 1000 Genomes Project 30x 0.00250; ESP Exome Variant Server 0.00269.
gnomAD v4.1: 599 of 1,613,856 alleles (0.037%); highest among the groups gnomAD compares: African/African-American, 0.71%; 4 homozygotes.

Submissions (4):

PreventionGenetics, part of Exact Sciences
Classification: Benign for MME-related condition. Last evaluated: 2026-08-10. Review status: criteria provided, single submitter. Criteria: ACMG Guidelines, 2015. Collection method: clinical testing. Allele origin: germline.
Comment: This variant is classified as benign based on ACMG/AMP sequence variant interpretation guidelines (Richards et al. 2015 PMID: 25741868, with internal and published modifications).

Labcorp Genetics (formerly Invitae), Labcorp
Classification: Benign. Last evaluated: 2025-12-26. Review status: criteria provided, single submitter. Criteria: Invitae Variant Classification Sherloc (09022015). Collection method: clinical testing. Allele origin: germline.

Blueprint Genetics
Classification: Likely benign. Last evaluated: 2024-10-08. Review status: criteria provided, single submitter. Criteria: ACMG Guidelines, 2015. Collection method: clinical testing. Allele origin: germline.

GeneDx
Classification: Likely benign. Last evaluated: 2019-07-24. Review status: criteria provided, single submitter. Criteria: GeneDx Variant Classification Process June 2021. Collection method: clinical testing. Allele origin: germline. Affected: yes.